The following is an entry in ClinVar:

NM_001754.5(RUNX1):c.1203C>G (p.Pro401=)

Gene: RUNX1 (RUNX family transcription factor 1; minus strand). Cytogenetic location: 21q22.12.
Variant type: single nucleotide variant.
Coding change: c.1203C>G on transcript NM_001754.5 (MANE Select); coding-DNA position 1203, C replaced by G.
Protein change: p.Pro401=; no amino-acid change (proline 401 retained).
Molecular consequence: synonymous variant.
Genome position (GRCh38, 1-based): chr21:34,792,375, G>C on the plus strand (C>G on the coding strand, the complement: RUNX1 is on the minus strand). VCF-style: chr21-34792375-G-C. GRCh37 (hg19) VCF-style: chr21-36164672-G-C.
Other names: NM_001754.5(RUNX1):c.1203C>G; p.Pro401=; c.1122C>G, p.Pro374= (NM_001001890.3).
Identifiers: ClinVar variation 2706986 (VCV002706986.5), dbSNP rs2056454268, ClinGen allele CA512341226.

ClinVar aggregate classification (germline): Likely benign. Review status: reviewed by expert panel (3 of 4 stars). 3 submissions from 3 submitters: Likely benign (1). 2 of the submissions do not count toward it. Last evaluated 2024-09-18.

Conditions:
Inborn genetic diseases. Identifiers: MedGen C0950123, MeSH D030342.
Hereditary thrombocytopenia and hematological cancer predisposition syndrome associated with RUNX1. Also called: Familial Platelet Disorder with Propensity to Acute Myelogenous Leukemia; Familial thrombocytopenia with propensity to acute myelogenous leukemia; PLATELET DISORDER, ASPIRIN-LIKE; RUNX1 Familial Platelet Disorder with Associated Myeloid Malignancies. Identifiers: Orphanet 71290, MedGen C1832388, MeSH C563324, MONDO:0100083, OMIM 601399.
Hereditary thrombocytopenia and hematologic cancer predisposition syndrome. Identifiers: Orphanet 71290, MedGen CN281654, MONDO:0011071.

Submissions (3):

ClinGen Myeloid Malignancy Variant Curation Expert Panel
Classification: Likely benign for Hereditary thrombocytopenia and hematologic cancer predisposition syndrome. Last evaluated: 2024-09-18. Review status: reviewed by expert panel. Criteria: ClinGen MyeloMalig ACMG Specifications v2. Collection method: curation. Allele origin: germline. Inheritance: Autosomal dominant inheritance.
Comment: NM_001754.5(RUNX1):c.1203C>G (p.Pro401=) is a synonymous variant which has a SpliceAI score ≤ 0.20 (0.0) (BP4). This variant has a SpliceAI score ≤ 0.20 (0.0) and evolutionary conservation algorithms predict the site as being not conserved (PhyloP score ≤ 2.0 (-4.12) (BP7). This variant is completely absent from all population databases with at least 20x coverage for RUNX1 (PM2_Supporting). In summary, this variant meets criteria to be classified as likely benign. ACMG/AMP criteria applied, as specified by the Myeloid Malignancy Variant Curation Expert Panel for RUNX1: BP4, BP7, PM2_supporting.

Ambry Genetics
Classification: Likely benign for Inborn genetic diseases. Last evaluated: 2025-07-31. Review status: criteria provided, single submitter. Criteria: Ambry Variant Classification Scheme 2023. Collection method: clinical testing. Allele origin: germline. Not counted in ClinVar's aggregate classification.

Labcorp Genetics (formerly Invitae), Labcorp
Classification: Likely benign for Hereditary thrombocytopenia and hematological cancer predisposition syndrome associated with RUNX1. Last evaluated: 2023-01-30. Review status: criteria provided, single submitter. Criteria: Invitae Variant Classification Sherloc (09022015). Collection method: clinical testing. Allele origin: germline. Not counted in ClinVar's aggregate classification.